The following is an entry in ClinVar:

ClinVar aggregate classification (germline): Conflicting classifications of pathogenicity. Review status: criteria provided, conflicting classifications (1 of 4 stars). 2 submissions from 2 submitters: Uncertain significance (1); Likely benign (1). Last evaluated 2024-10-20.

Conditions:
Intellectual developmental disorder, X-linked 19. Also called: Intellectual disability, X-linked 19. Identifiers: Orphanet 777, MedGen C0796225, MONDO:0010447, OMIM 300844.
Coffin-Lowry syndrome (CLS). Also called: COFFIN-LOWRY SYNDROME, MILD; Mental retardation with osteocartilaginous abnormalities. Identifiers: Orphanet 192, MedGen C0265252, MONDO:0010561, OMIM 303600.

Allele frequency attached by ClinVar (database versions not stated): gnomAD exomes below 0.00001.
gnomAD v4.1: 3 of 1,145,593 alleles (0.00026%); highest among the groups gnomAD compares: Non-Finnish European, 0.00035%; no homozygotes.

Submissions (2):

Labcorp Genetics (formerly Invitae), Labcorp
Classification: Likely benign for Coffin-Lowry syndrome; Intellectual developmental disorder, X-linked 19. Last evaluated: 2024-10-20. Review status: criteria provided, single submitter. Criteria: Invitae Variant Classification Sherloc (09022015). Collection method: clinical testing. Allele origin: germline.

GeneDx
Classification: Uncertain significance. Last evaluated: 2022-08-22. Review status: criteria provided, single submitter. Criteria: GeneDx Variant Classification Process June 2021. Collection method: clinical testing. Allele origin: germline. Affected: yes.
Comment: Not observed at significant frequency in large population cohorts (gnomAD); In silico analysis supports that this missense variant does not alter protein structure/function; Has not been previously published as pathogenic or benign to our knowledge

NM_004586.3(RPS6KA3):c.17T>C (p.Leu6Pro)

Genes: RPS6KA3 (ribosomal protein S6 kinase A3; minus strand), LOC130068032 (ATAC-STARR-seq lymphoblastoid silent region 20696; plus strand). Cytogenetic location: Xp22.12.
Variant type: single nucleotide variant.
Coding change: c.17T>C on transcript NM_004586.3 (MANE Select); coding-DNA position 17, T replaced by C.
Protein change: p.Leu6Pro; replaces leucine 6 with proline.
Molecular consequence: missense variant.
Genome position (GRCh38, 1-based): chrX:20,266,616, A>G on the plus strand (T>C on the coding strand, the complement: RPS6KA3 is on the minus strand). VCF-style: chrX-20266616-A-G. GRCh37 (hg19) VCF-style: chrX-20284734-A-G.
Other names: c.17T>C (NM_004586.2); short protein forms L6P.
Identifiers: ClinVar variation 1579041 (VCV001579041.9), dbSNP rs1429116502, ClinGen allele CA412510820.